The following is an entry in ClinVar:

ClinVar aggregate classification (germline): Benign (1 of 4 stars; one submission).

Allele frequency attached by ClinVar (database versions not stated): gnomAD 0.29223 and 0.29267; TOPMed 0.30817; 1000 Genomes Project 0.37340; 1000 Genomes Project 30x 0.37523.
gnomAD v4.1: 44,178 of 151,782 alleles (29%); highest among the groups gnomAD compares: East Asian, 52%; 8,046 homozygotes.

Submission:

GeneDx
Classification: Benign. Last evaluated: 2018-06-18. Review status: criteria provided, single submitter. Criteria: GeneDx Variant Classification (06012015). Collection method: clinical testing. Allele origin: germline. Affected: yes.
Comment: This variant is considered likely benign or benign based on one or more of the following criteria: it is a conservative change, it occurs at a poorly conserved position in the protein, it is predicted to be benign by multiple in silico algorithms, and/or has population frequency not consistent with disease.

NM_182961.4(SYNE1):c.18207+292T>C

Gene: SYNE1 (spectrin repeat containing nuclear envelope protein 1; minus strand). Cytogenetic location: 6q25.2.
Variant type: single nucleotide variant.
Coding change: c.18207+292T>C on transcript NM_182961.4 (MANE Select); 292 bases into the intron after coding-DNA position 18207, T replaced by C.
Molecular consequence: intron variant.
Genome position (GRCh38, 1-based): chr6:152,283,686, A>G on the plus strand (T>C on the coding strand, the complement: SYNE1 is on the minus strand). VCF-style: chr6-152283686-A-G. GRCh37 (hg19) VCF-style: chr6-152604821-A-G.
Other names: c.17994+292T>C (NM_033071.5).
Identifiers: ClinVar variation 683965 (VCV000683965.1), dbSNP rs9397499, ClinGen allele CA12422696.